The following is an entry in ClinVar:

NM_000069.3(CACNA1S):c.3965G>T (p.Gly1322Val)

Gene: CACNA1S (calcium voltage-gated channel subunit alpha1 S; minus strand). Cytogenetic location: 1q32.1.
Variant type: single nucleotide variant.
Coding change: c.3965G>T on transcript NM_000069.3 (MANE Select); coding-DNA position 3965, G replaced by T.
Protein change: p.Gly1322Val; replaces glycine 1322 with valine.
Molecular consequence: missense variant.
Genome position (GRCh38, 1-based): chr1:201,051,132, C>A on the plus strand (G>T on the coding strand, the complement: CACNA1S is on the minus strand). VCF-style: chr1-201051132-C-A. GRCh37 (hg19) VCF-style: chr1-201020260-C-A.
Other names: short protein forms G1322V.
Identifiers: ClinVar variation 4072543 (VCV004072543.1).

ClinVar aggregate classification (germline): Uncertain significance (1 of 4 stars; one submission).

gnomAD v4.1: 2 of 1,614,250 alleles (0.00012%); highest among the groups gnomAD compares: South Asian, 0.0022%; no homozygotes.

Submission:

GeneDx
Classification: Uncertain significance. Last evaluated: 2025-01-29. Review status: criteria provided, single submitter. Criteria: GeneDx Variant Classification Process June 2021. Collection method: clinical testing. Allele origin: germline. Affected: yes.
Comment: Not observed at significant frequency in large population cohorts (gnomAD); In silico analysis supports that this missense variant has a deleterious effect on protein structure/function; Has not been previously published as pathogenic or benign to our knowledge